The following is an entry in ClinVar:

ClinVar aggregate classification (germline): Uncertain significance. Review status: criteria provided, multiple submitters, no conflicts (2 of 4 stars). 2 submissions from 2 submitters: Uncertain significance (2). Last evaluated 2022-12-15.

Conditions:
Weaver syndrome (WVS). Also called: Weaver Smith syndrome; Overgrowth syndrome with accelerated skeletal maturation, unusual facies, and camptodactyly. Identifiers: Orphanet 3447, MedGen C0265210, MONDO:0010193, OMIM 277590.

Submissions (2):

Labcorp Genetics (formerly Invitae), Labcorp
Classification: Uncertain significance for Weaver syndrome. Last evaluated: 2022-12-15. Review status: criteria provided, single submitter. Criteria: Invitae Variant Classification Sherloc (09022015). Collection method: clinical testing. Allele origin: germline.
Comment: In summary, the available evidence is currently insufficient to determine the role of this variant in disease. Therefore, it has been classified as a Variant of Uncertain Significance. This variant disrupts the p.Thr683 amino acid residue in EZH2. Other variant(s) that disrupt this residue have been determined to be pathogenic (Invitae). This suggests that this residue is clinically significant, and that variants that disrupt this residue are likely to be disease-causing. Advanced modeling of protein sequence and biophysical properties (such as structural, functional, and spatial information, amino acid conservation, physicochemical variation, residue mobility, and thermodynamic stability) performed at Invitae indicates that this missense variant is expected to disrupt EZH2 protein function. This variant has not been reported in the literature in individuals affected with EZH2-related conditions. This variant is not present in population databases (gnomAD no frequency). This sequence change replaces threonine, which is neutral and polar, with isoleucine, which is neutral and non-polar, at codon 683 of the EZH2 protein (p.Thr683Ile).

Revvity Omics, Revvity
Classification: Uncertain significance for Weaver syndrome. Last evaluated: 2021-06-24. Review status: criteria provided, single submitter. Criteria: ACMG Guidelines, 2015. Collection method: clinical testing. Allele origin: germline.

NM_004456.5(EZH2):c.2048C>T (p.Thr683Ile)

Gene: EZH2 (enhancer of zeste 2 polycomb repressive complex 2 subunit; minus strand). Cytogenetic location: 7q36.1.
Variant type: single nucleotide variant.
Coding change: c.2048C>T on transcript NM_004456.5 (MANE Select); coding-DNA position 2048, C replaced by T.
Protein change: p.Thr683Ile; replaces threonine 683 with isoleucine.
Molecular consequence: missense variant.
Genome position (GRCh38, 1-based): chr7:148,809,372, G>A on the plus strand (C>T on the coding strand, the complement: EZH2 is on the minus strand). VCF-style: chr7-148809372-G-A. GRCh37 (hg19) VCF-style: chr7-148506464-G-A.
Other names: c.2033C>T, p.Thr678Ile (NM_001203247.2); c.2006C>T, p.Thr669Ile (NM_001203248.2); c.1880C>T, p.Thr627Ile (NM_001203249.2); c.1916C>T, p.Thr639Ile (NM_152998.3); short protein forms T627I, T639I, T669I, T678I, T683I.
Identifiers: ClinVar variation 2441317 (VCV002441317.6), dbSNP rs1802412684, ClinGen allele CA369712340.